The following is an entry in ClinVar:

ClinVar aggregate classification (germline): Uncertain significance. Review status: criteria provided, multiple submitters, no conflicts (2 of 4 stars). 2 submissions from 2 submitters: Uncertain significance (2). Last evaluated 2025-06-22.

Conditions:
Renal cell carcinoma. Identifiers: Orphanet 217071, MedGen C0007134, MeSH D002292, MONDO:0005086, HP:0005584.
Hereditary cancer-predisposing syndrome. Also called: Tumor predisposition; Hereditary neoplastic syndrome; Neoplastic Syndromes, Hereditary; Hereditary Cancer Syndrome. Identifiers: Orphanet 140162, MedGen C0027672, MeSH D009386, MONDO:0015356.

Submissions (2):

Ambry Genetics
Classification: Uncertain significance for Hereditary cancer-predisposing syndrome. Last evaluated: 2025-06-22. Review status: criteria provided, single submitter. Criteria: Ambry Variant Classification Scheme 2023. Collection method: clinical testing. Allele origin: germline.
Comment: The p.V943I variant (also known as c.2827G>A), located in coding exon 12 of the MET gene, results from a G to A substitution at nucleotide position 2827. The valine at codon 943 is replaced by isoleucine, an amino acid with highly similar properties. This amino acid position is conserved. In addition, this alteration is predicted to be tolerated by in silico analysis. Based on the available evidence, the clinical significance of this variant remains unclear.

Labcorp Genetics (formerly Invitae), Labcorp
Classification: Uncertain significance for Renal cell carcinoma. Last evaluated: 2023-06-02. Review status: criteria provided, single submitter. Criteria: Invitae Variant Classification Sherloc (09022015). Collection method: clinical testing. Allele origin: germline.
Comment: This sequence change replaces valine, which is neutral and non-polar, with isoleucine, which is neutral and non-polar, at codon 943 of the MET protein (p.Val943Ile). In summary, the available evidence is currently insufficient to determine the role of this variant in disease. Therefore, it has been classified as a Variant of Uncertain Significance. Advanced modeling of protein sequence and biophysical properties (such as structural, functional, and spatial information, amino acid conservation, physicochemical variation, residue mobility, and thermodynamic stability) performed at Invitae indicates that this missense variant is not expected to disrupt MET protein function. ClinVar contains an entry for this variant (Variation ID: 959166). This variant has not been reported in the literature in individuals affected with MET-related conditions. This variant is not present in population databases (gnomAD no frequency).

NM_000245.4(MET):c.2773G>A (p.Val925Ile)

Gene: MET (MET proto-oncogene, receptor tyrosine kinase; plus strand). Cytogenetic location: 7q31.2.
Variant type: single nucleotide variant.
Coding change: c.2773G>A on transcript NM_000245.4 (MANE Select); coding-DNA position 2773, G replaced by A.
Protein change: p.Val925Ile; replaces valine 925 with isoleucine.
Molecular consequence: missense variant.
Genome position (GRCh38, 1-based): chr7:116,771,540, G>A. VCF-style: chr7-116771540-G-A. GRCh37 (hg19) VCF-style: chr7-116411594-G-A.
Other names: c.2827G>A, p.Val943Ile (NM_001127500.3); c.1483G>A, p.Val495Ile (NM_001324402.2); short protein forms V495I, V925I, V943I.
Identifiers: ClinVar variation 959166 (VCV000959166.10), dbSNP rs1794833108, ClinGen allele CA368986303.